The following is an entry in ClinVar:

NM_001127208.3(TET2):c.2340A>C (p.Lys780Asn)

Genes: TET2 (tet methylcytosine dioxygenase 2; plus strand), TET2-AS1 (TET2 antisense RNA 1; minus strand). Cytogenetic location: 4q24.
Variant type: single nucleotide variant.
Coding change: c.2340A>C on transcript NM_001127208.3 (MANE Select); coding-DNA position 2340, A replaced by C.
Protein change: p.Lys780Asn; replaces lysine 780 with asparagine.
Molecular consequence: missense variant.
Genome position (GRCh38, 1-based): chr4:105,236,282, A>C. VCF-style: chr4-105236282-A-C. GRCh37 (hg19) VCF-style: chr4-106157439-A-C.
Other names: c.2340A>C, p.Lys780Asn (NM_017628.4); short protein forms K780N.
Identifiers: ClinVar variation 5030777 (VCV005030777.1).
Genomic context (GRCh38, chr4:105,236,282, plus strand): 5'-TCCTCACCCCCAAAGCAACAATGATCAGCAAAGAGAAGGATCATTCTTTGGCCAGACTAA[A>C]GTGGAAGAATGTTTTCATGGTGAAAATCAGTATTCAAAATCAAGCGAGTTCGAGACTCAT-3'
Protein context (NP_001120680.1, residues 770-790): QREGSFFGQT[Lys780Asn]VEECFHGENQ

ClinVar aggregate classification (germline): Uncertain significance (1 of 4 stars; one submission).

gnomAD v4.1: 1 of 1,614,128 alleles (0.000062%); highest among the groups gnomAD compares: Non-Finnish European, 0.000085%; no homozygotes.

Submission:

Ambry Genetics
Classification: Uncertain significance. Last evaluated: 2026-09-04. Review status: criteria provided, single submitter. Criteria: Ambry Variant Classification Scheme 2023. Collection method: clinical testing. Allele origin: germline.
Comment: The p.K780N variant (also known as c.2340A>C), located in coding exon 1 of the TET2 gene, results from an A to C substitution at nucleotide position 2340. The lysine at codon 780 is replaced by asparagine, an amino acid with similar properties. This amino acid position is conserved. In addition, this alteration is predicted to be tolerated by in silico analysis. Based on the available evidence, the clinical significance of this variant remains unclear.